The following is an entry in ClinVar:

ClinVar aggregate classification (germline): Conflicting classifications of pathogenicity. Review status: criteria provided, conflicting classifications (1 of 4 stars). 8 submissions from 8 submitters: Uncertain significance (5); Likely benign (3). Last evaluated 2025-05-28.

Conditions:
Hereditary breast ovarian cancer syndrome. Also called: Hereditary breast and ovarian cancer; Hereditary breast and ovarian cancer syndrome; Breast and ovarian cancer; Hereditary breast and ovarian cancer syndrome (HBOC); Hereditary breast and/or ovarian cancer syndrome; BRCA1- and BRCA2-Associated Hereditary Breast and Ovarian Cancer. Identifiers: Orphanet 145, MedGen C0677776, MeSH D061325, MONDO:0003582. Disease mechanism: loss of function.
Hereditary cancer-predisposing syndrome. Also called: Hereditary Cancer Syndrome; Neoplastic Syndromes, Hereditary; Tumor predisposition; Hereditary neoplastic syndrome. Identifiers: Orphanet 140162, MedGen C0027672, MeSH D009386, MONDO:0015356.
Hereditary cancer. Identifiers: MedGen C1333600.
Breast-ovarian cancer, familial, susceptibility to, 2 (BROVCA2). Also called: BRCA2 Hereditary Breast and Ovarian Cancer. Identifiers: Orphanet 145, MedGen C2675520, MONDO:0012933, OMIM 612555. Disease mechanism: loss of function.

Allele frequency attached by ClinVar (database versions not stated): gnomAD exomes below 0.00001.
gnomAD v4.1: 2 of 1,613,810 alleles (0.00012%); highest among the groups gnomAD compares: Non-Finnish European, 0.000085%; no homozygotes.

Submissions (8):

Labcorp Genetics (formerly Invitae), Labcorp
Classification: Uncertain significance for Hereditary breast ovarian cancer syndrome. Last evaluated: 2025-05-28. Review status: criteria provided, single submitter. Criteria: Invitae Variant Classification Sherloc (09022015). Collection method: clinical testing. Allele origin: germline.
Comment: This sequence change replaces alanine, which is neutral and non-polar, with valine, which is neutral and non-polar, at codon 2032 of the BRCA2 protein (p.Ala2032Val). This variant is present in population databases (rs786202701, gnomAD no frequency). This missense change has been observed in individual(s) with breast and/or ovarian cancer (PMID: 31825140, 35264596, 36881271). ClinVar contains an entry for this variant (Variation ID: 186111). Invitae Evidence Modeling of protein sequence and biophysical properties (such as structural, functional, and spatial information, amino acid conservation, physicochemical variation, residue mobility, and thermodynamic stability) indicates that this missense variant is not expected to disrupt BRCA2 protein function with a negative predictive value of 95%. In summary, the available evidence is currently insufficient to determine the role of this variant in disease. Therefore, it has been classified as a Variant of Uncertain Significance.

Mendelics
Classification: Likely benign for Hereditary cancer. Last evaluated: 2024-01-23. Review status: criteria provided, single submitter. Criteria: ACMG Guidelines, 2015. Collection method: clinical testing. Allele origin: unknown.

GeneDx
Classification: Uncertain significance. Last evaluated: 2023-08-26. Review status: criteria provided, single submitter. Criteria: GeneDx Variant Classification Process June 2021. Collection method: clinical testing. Allele origin: germline. Affected: yes.
Comment: In silico analysis supports that this missense variant does not alter protein structure/function; Not observed at significant frequency in large population cohorts (gnomAD); Also known as 6323C>T; This variant is associated with the following publications: (PMID: 31825140, 35264596, 32377563, 29884841, 31853058, 36775216)

All of Us Research Program, National Institutes of Health
Classification: Uncertain significance for Breast-ovarian cancer, familial, susceptibility to, 2. Last evaluated: 2023-03-23. Review status: criteria provided, single submitter. Criteria: ACMG Guidelines, 2015. Collection method: clinical testing. Allele origin: germline. Inheritance: Autosomal dominant inheritance. Observed: 1 variant allele, 1 heterozygote.
Comment: This missense variant replaces alanine with valine at codon 2032 of the BRCA2 protein. Computational prediction suggests that this variant may not impact protein structure and function (internally defined REVEL score threshold <= 0.5, PMID: 27666373). To our knowledge, functional studies have not been reported for this variant. This variant has not been reported in individuals affected with hereditary cancer in the literature. This variant has been identified in 1/250984 chromosomes in the general population by the Genome Aggregation Database (gnomAD). The available evidence is insufficient to determine the role of this variant in disease conclusively. Therefore, this variant is classified as a Variant of Uncertain Significance.

This study involves interpretation of variants in research participants for the purpose of population health screening. Participant phenotype was not available at the time of variant classification. Additional details can be found in publication PMID: 35346344, PMCID: PMC8962531

University of Washington Department of Laboratory Medicine, University of Washington
Classification: Likely benign for Hereditary cancer-predisposing syndrome. Last evaluated: 2023-03-23. Review status: criteria provided, single submitter. Criteria: Dines et al. (Genet Med. 2020). Collection method: curation. Allele origin: germline.
Comment: Missense variant in a coldspot region where missense variants are very unlikely to be pathogenic (PMID:31911673).

BRCA2 exon 11 coldspot. Reclassification based on statistical prior probability.

Color Diagnostics, LLC DBA Color Health
Classification: Uncertain significance for Hereditary cancer-predisposing syndrome. Last evaluated: 2022-10-11. Review status: criteria provided, single submitter. Criteria: ACMG Guidelines, 2015. Collection method: clinical testing. Allele origin: germline.
Comment: This missense variant replaces alanine with valine at codon 2032 of the BRCA2 protein. Computational prediction suggests that this variant may not impact protein structure and function (internally defined REVEL score threshold <= 0.5, PMID: 27666373). To our knowledge, functional studies have not been reported for this variant. This variant has been reported in individuals affected with breast cancer (PMID: 35264596). This variant has been identified in 1/250984 chromosomes in the general population by the Genome Aggregation Database (gnomAD). The available evidence is insufficient to determine the role of this variant in disease conclusively. Therefore, this variant is classified as a Variant of Uncertain Significance.

Quest Diagnostics Nichols Institute San Juan Capistrano
Classification: Uncertain significance. Last evaluated: 2020-04-22. Review status: criteria provided, single submitter. Criteria: Quest Diagnostics criteria. Collection method: clinical testing. Allele origin: unknown.

Ambry Genetics
Classification: Likely benign for Hereditary cancer-predisposing syndrome. Last evaluated: 2020-03-17. Review status: criteria provided, single submitter. Criteria: Ambry Variant Classification Scheme 2023. Collection method: clinical testing. Allele origin: germline.

Literature cited by the submitters: PubMed 31825140 (cited by Labcorp Genetics (formerly Invitae), Labcorp); PubMed 35264596 (cited by Labcorp Genetics (formerly Invitae), Labcorp and Color Diagnostics, LLC DBA Color Health); PubMed 36881271 (cited by Labcorp Genetics (formerly Invitae), Labcorp).

NM_000059.4(BRCA2):c.6095C>T (p.Ala2032Val)

Gene: BRCA2 (BRCA2 DNA repair associated; plus strand). Cytogenetic location: 13q13.1.
Variant type: single nucleotide variant.
Coding change: c.6095C>T on transcript NM_000059.4 (MANE Select); coding-DNA position 6095, C replaced by T.
Protein change: p.Ala2032Val; replaces alanine 2032 with valine.
Molecular consequence: missense variant.
Genome position (GRCh38, 1-based): chr13:32,340,450, C>T. VCF-style: chr13-32340450-C-T. GRCh37 (hg19) VCF-style: chr13-32914587-C-T.
Other names: short protein forms A2032V.
Identifiers: ClinVar variation 186111 (VCV000186111.26), dbSNP rs786202701, ClinGen allele CA023642.